The following is an entry in ClinVar:

ClinVar aggregate classification (germline): Uncertain significance (1 of 4 stars; one submission).

gnomAD v4.1: 1 of 1,613,748 alleles (0.000062%); highest among the groups gnomAD compares: Non-Finnish European, 0.000085%; no homozygotes.

Submission:

Labcorp Genetics (formerly Invitae), Labcorp
Classification: Uncertain significance. Last evaluated: 2024-07-17. Review status: criteria provided, single submitter. Criteria: Invitae Variant Classification Sherloc (09022015). Collection method: clinical testing. Allele origin: germline.
Comment: This sequence change affects a donor splice site in intron 6 of the CACNA2D4 gene. It is expected to disrupt RNA splicing. Variants that disrupt the donor or acceptor splice site typically lead to a loss of protein function (PMID: 16199547), however the current clinical and genetic evidence is not sufficient to establish whether loss-of-function variants in CACNA2D4 cause disease. This variant is present in population databases (no rsID available, gnomAD 0.007%). This variant has not been reported in the literature in individuals affected with CACNA2D4-related conditions. Algorithms developed to predict the effect of sequence changes on RNA splicing suggest that this variant may disrupt the consensus splice site. In summary, the available evidence is currently insufficient to determine the role of this variant in disease. Therefore, it has been classified as a Variant of Uncertain Significance.

Literature cited by the submitters: PubMed 16199547.

NM_172364.5(CACNA2D4):c.781+2T>A

Gene: CACNA2D4 (calcium voltage-gated channel auxiliary subunit alpha2delta 4; minus strand). Cytogenetic location: 12p13.33.
Variant type: single nucleotide variant.
Coding change: c.781+2T>A on transcript NM_172364.5 (MANE Select); the canonical splice donor site of the intron after coding-DNA position 781, T replaced by A.
Molecular consequence: splice donor variant.
Genome position (GRCh38, 1-based): chr12:1,907,438, A>T on the plus strand (T>A on the coding strand, the complement: CACNA2D4 is on the minus strand). VCF-style: chr12-1907438-A-T. GRCh37 (hg19) VCF-style: chr12-2016604-A-T.
Identifiers: ClinVar variation 3659768 (VCV003659768.2).